The following is an entry in ClinVar:

NM_001085487.3(MYSM1):c.611G>A (p.Arg204His)

Gene: MYSM1 (Myb like, SWIRM and MPN domains 1; minus strand). Cytogenetic location: 1p32.1.
Variant type: single nucleotide variant.
Coding change: c.611G>A on transcript NM_001085487.3 (MANE Select); coding-DNA position 611, G replaced by A.
Protein change: p.Arg204His; replaces arginine 204 with histidine.
Molecular consequence: missense variant.
Genome position (GRCh38, 1-based): chr1:58,682,433, C>T on the plus strand (G>A on the coding strand, the complement: MYSM1 is on the minus strand). VCF-style: chr1-58682433-C-T. GRCh37 (hg19) VCF-style: chr1-59148105-C-T.
Other names: short protein forms R204H.
Identifiers: ClinVar variation 1435592 (VCV001435592.6), dbSNP rs958860111, ClinGen allele CA22872983.

ClinVar aggregate classification (germline): Uncertain significance (1 of 4 stars; one submission).

Allele frequency attached by ClinVar (database versions not stated): gnomAD exomes 0.00001.
gnomAD v4.1: 11 of 1,614,034 alleles (0.00068%); highest among the groups gnomAD compares: African/African-American, 0.0027%; no homozygotes.

Submission:

Labcorp Genetics (formerly Invitae), Labcorp
Classification: Uncertain significance. Last evaluated: 2026-02-04. Review status: criteria provided, single submitter. Criteria: Invitae Variant Classification Sherloc (09022015). Collection method: clinical testing. Allele origin: germline.
Comment: This sequence change replaces arginine, which is basic and polar, with histidine, which is basic and polar, at codon 204 of the MYSM1 protein (p.Arg204His). This variant is present in population databases (no rsID available, gnomAD 0.009%). This variant has not been reported in the literature in individuals affected with MYSM1-related conditions. ClinVar contains an entry for this variant (Variation ID: 1435592). Invitae Evidence Modeling of protein sequence and biophysical properties (such as structural, functional, and spatial information, amino acid conservation, physicochemical variation, residue mobility, and thermodynamic stability) indicates that this missense variant is not expected to disrupt MYSM1 protein function with a negative predictive value of 80%. In summary, the available evidence is currently insufficient to determine the role of this variant in disease. Therefore, it has been classified as a Variant of Uncertain Significance.